The following is an entry in ClinVar:

ClinVar aggregate classification (germline): Conflicting classifications of pathogenicity. Review status: criteria provided, conflicting classifications (1 of 4 stars). 13 submissions from 9 submitters: Uncertain significance (8); Likely benign (4). 1 of the submissions does not count toward it. Last evaluated 2026-06-25.

Conditions:
Hyperkalemic periodic paralysis. Also called: Familial hyperkalemic periodic paralysis; Gamstorp disease. Identifiers: Orphanet 682, MedGen C0238357, MONDO:0008224, OMIM 170500, HP:0007215.
Congenital myasthenic syndrome 16. Identifiers: Orphanet 590, MedGen C3280112, MONDO:0013620, OMIM 614198.
Paramyotonia congenita of Von Eulenburg. Also called: Myotonia congenita intermittens; Von Eulenburg paramyotonia congenita; Paramyotonia Congenita; PARALYSIS PERIODICA PARAMYOTONICA; Eulenburg disease. Identifiers: Orphanet 684, MedGen C0221055, MONDO:0008195, OMIM 168300. Disease mechanism: loss of function.
Congenital myopathy 22A, classic (CMYO22A). Identifiers: MedGen C5830453, MONDO:0957247, OMIM 620351.
Congenital myopathy 22B, severe fetal (CMYO22B). Identifiers: MedGen C5830501, MONDO:0957265, OMIM 620369.
Hypokalemic periodic paralysis, type 2 (HOKPP2). Identifiers: Orphanet 681, MedGen C2750061, MONDO:0013234, OMIM 613345.
Potassium-aggravated myotonia. Also called: Myotonia congenita, atypical, acetazolamide-responsive; MYOTONIA CONGENITA, ACETAZOLAMIDE-RESPONSIVE; MYOTONIA CONGENITA, ATYPICAL; SODIUM CHANNEL MUSCLE DISEASE. Identifiers: Orphanet 612, Orphanet 99734, Orphanet 99735, Orphanet 99736, MedGen C2931826, MONDO:0018959, OMIM 608390.
Inborn genetic diseases. Identifiers: MedGen C0950123, MeSH D030342.

Allele frequency attached by ClinVar (database versions not stated): ESP Exome Variant Server 0.00008; gnomAD 0.00006 and 0.00005; ExAC 0.00011; gnomAD exomes 0.00009; TOPMed 0.00008.
gnomAD v4.1: 138 of 1,613,868 alleles (0.0086%); highest among the groups gnomAD compares: Non-Finnish European, 0.01%; no homozygotes.

Submissions (13):

Women's Health and Genetics/Laboratory Corporation of America, LabCorp
Classification: Uncertain significance. Last evaluated: 2026-06-25. Review status: criteria provided, single submitter. Criteria: LabCorp Variant Classification Summary - May 2015. Collection method: clinical testing. Allele origin: germline.
Comment: Variant summary: SCN4A c.1354G>A (p.Glu452Lys) results in a conservative amino acid change located in the Ion transport domain (IPR005821) of the encoded protein sequence. Algorithms developed to predict the effect of missense changes on protein structure and function are either unavailable or do not agree on the potential impact of this missense change. The variant allele was found at a frequency of 8.8e-05 in 248866 control chromosomes. This frequency is not significantly higher than estimated for disease-causing variants in SCN4A, allowing no conclusion about variant significance. c.1354G>A has been observed in individual(s) affected with SCN4A-related conditions (e.g. Zhao_2024, Plumereau_2025). These data indicate that the variant may be associated with disease. Cell-based whole-cell patch-clamp assays in HEK293 cells expressing hNaV1.4/E452K demonstrated altered channel function, including significantly reduced current density and altered activation gating, supporting a functional effect of the variant on Nav1.4 channel behavior (Plumereau_2025). The following publications have been ascertained in the context of this evaluation (PMID: 29606556, 18337100, 36796140, 36779057, 41006520, 38609989). ClinVar contains an entry for this variant (Variation ID: 568464). Based on the evidence outlined above, the variant was classified as uncertain significance.

Labcorp Genetics (formerly Invitae), Labcorp
Classification: Uncertain significance for Hyperkalemic periodic paralysis. Last evaluated: 2025-10-16. Review status: criteria provided, single submitter. Criteria: Invitae Variant Classification Sherloc (09022015). Collection method: clinical testing. Allele origin: germline.
Comment: This sequence change replaces glutamic acid, which is acidic and polar, with lysine, which is basic and polar, at codon 452 of the SCN4A protein (p.Glu452Lys). This variant is present in population databases (rs372631097, gnomAD 0.02%). This missense change has been observed in individual(s) with SCN4A-related conditions (PMID: 18337100, 29606556, 36779057, 38609989). ClinVar contains an entry for this variant (Variation ID: 568464). Invitae Evidence Modeling of protein sequence and biophysical properties (such as structural, functional, and spatial information, amino acid conservation, physicochemical variation, residue mobility, and thermodynamic stability) indicates that this missense variant is not expected to disrupt SCN4A protein function with a negative predictive value of 95%. In summary, the available evidence is currently insufficient to determine the role of this variant in disease. Therefore, it has been classified as a Variant of Uncertain Significance.

GeneDx
Classification: Uncertain significance. Last evaluated: 2025-06-24. Review status: criteria provided, single submitter. Criteria: GeneDx Variant Classification Process June 2021. Collection method: clinical testing. Allele origin: germline. Affected: yes.
Comment: Reported in association with autosomal dominant non-dystrophic myotonia; however, functional characterization of the variant was not performed (PMID: 18337100); Reported previously in patients with periodic paralysis; however family history and segregation information were not provided (PMID: 36779057, 38609989); Reported in a patient with a skeletal muscle channelopathy; however, additional information was not provided (PMID: 29606556); In silico analysis supports that this missense variant has a deleterious effect on protein structure/function; This variant is associated with the following publications: (PMID: 33325393, 29606556, 36796140, 36779057, 38609989, 18337100)

Fulgent Genetics
Classification: Uncertain significance for Paramyotonia congenita of Von Eulenburg; Hyperkalemic periodic paralysis; Potassium-aggravated myotonia; Hypokalemic periodic paralysis, type 2; Congenital myasthenic syndrome 16; Congenital myopathy 22A, classic; Congenital myopathy 22B, severe fetal. Last evaluated: 2024-02-14. Review status: criteria provided, single submitter. Criteria: ACMG Guidelines, 2015. Collection method: clinical testing. Allele origin: germline.

ARUP Laboratories, Molecular Genetics and Genomics, ARUP Laboratories
Classification: Uncertain significance. Last evaluated: 2023-10-09. Review status: criteria provided, single submitter. Criteria: ARUP Molecular Germline Variant Investigation Process 2024. Collection method: clinical testing. Allele origin: germline.

Ambry Genetics
Classification: Uncertain significance for Inborn genetic diseases. Last evaluated: 2022-05-03. Review status: criteria provided, single submitter. Criteria: Ambry Variant Classification Scheme 2023. Collection method: clinical testing. Allele origin: germline.
Comment: The c.1354G>A (p.E452K) alteration is located in exon 9 (coding exon 9) of the SCN4A gene. This alteration results from a G to A substitution at nucleotide position 1354, causing the glutamic acid (E) at amino acid position 452 to be replaced by a lysine (K). Based on data from gnomAD, the A allele has an overall frequency of 0.01% (22/248866) total alleles studied. The highest observed frequency was 0.02% (3/15442) of African alleles. This alteration was reported in a family with myotonia, episodic weakness, muscle stiffness, and variable muscle hypertrophy (Dupr&eacute;, 2009). This alteration was also reported in an additional unrelated individual with sodium channel myotonia/paramyotonia congenita (Stunnenberg, 2018). This amino acid position is highly conserved in available vertebrate species. This alteration is predicted to be deleterious by in silico analysis. Based on insufficient or conflicting evidence, the clinical significance of this alteration remains unclear.

Revvity Omics, Revvity
Classification: Uncertain significance. Last evaluated: 2021-10-18. Review status: criteria provided, single submitter. Criteria: ACMG Guidelines, 2015. Collection method: clinical testing. Allele origin: germline.

Illumina Laboratory Services, Illumina
Classification: Likely benign for Potassium-aggravated myotonia. Last evaluated: 2017-04-27. Review status: criteria provided, single submitter. Criteria: ICSL Variant Classification Criteria 13 December 2019. Collection method: clinical testing. Allele origin: germline.
Comment: This variant was observed as part of a predisposition screen in an ostensibly healthy population. A literature search was performed for the gene, cDNA change, and amino acid change (where applicable). Publications were found based on this search. The evidence from the literature, in combination with allele frequency data from public databases where available, was sufficient to determine this variant is unlikely to cause disease. Therefore, this variant is classified as likely benign.

Illumina Laboratory Services, Illumina
Classification: Uncertain significance for Congenital myasthenic syndrome 16. Last evaluated: 2017-04-27. Review status: criteria provided, single submitter. Criteria: ICSL Variant Classification Criteria 13 December 2019. Collection method: clinical testing. Allele origin: germline.

Illumina Laboratory Services, Illumina
Classification: Likely benign for Paramyotonia congenita of Von Eulenburg. Last evaluated: 2017-04-27. Review status: criteria provided, single submitter. Criteria: ICSL Variant Classification Criteria 13 December 2019. Collection method: clinical testing. Allele origin: germline.
Comment: This variant was observed as part of a predisposition screen in an ostensibly healthy population. A literature search was performed for the gene, cDNA change, and amino acid change (where applicable). No publications were found based on this search. Allele frequency data from public databases allowed determination this variant is unlikely to cause disease. Therefore, this variant is classified as likely benign.

Illumina Laboratory Services, Illumina
Classification: Likely benign for Hyperkalemic periodic paralysis. Last evaluated: 2017-04-27. Review status: criteria provided, single submitter. Criteria: ICSL Variant Classification Criteria 13 December 2019. Collection method: clinical testing. Allele origin: germline.
Comment: the same text as in the submission from Illumina Laboratory Services, Illumina above.

Illumina Laboratory Services, Illumina
Classification: Likely benign for Hypokalemic periodic paralysis, type 2. Last evaluated: 2017-04-27. Review status: criteria provided, single submitter. Criteria: ICSL Variant Classification Criteria 13 December 2019. Collection method: clinical testing. Allele origin: germline.
Comment: the same text as in the submission from Illumina Laboratory Services, Illumina above.

Department of Neurology and Geriatrics, Kagoshima University Graduate School of Medical and Dental Sciences
Classification: Uncertain significance for Hyperkalemic periodic paralysis. Last evaluated: 2022-04-12. Review status: no assertion criteria provided. Collection method: research. Allele origin: germline. Affected: yes. Not counted in ClinVar's aggregate classification.

Literature cited by the submitters: PubMed 29606556 (cited by 3 submitters); PubMed 18337100 (cited by 4 submitters); PubMed 36796140 (cited by Women's Health and Genetics/Laboratory Corporation of America, LabCorp); PubMed 36779057 (cited by Women's Health and Genetics/Laboratory Corporation of America, LabCorp and Labcorp Genetics (formerly Invitae), Labcorp); PubMed 41006520 (cited by Women's Health and Genetics/Laboratory Corporation of America, LabCorp); PubMed 38609989 (cited by Women's Health and Genetics/Laboratory Corporation of America, LabCorp and Labcorp Genetics (formerly Invitae), Labcorp).

NM_000334.4(SCN4A):c.1354G>A (p.Glu452Lys)

Gene: SCN4A (sodium voltage-gated channel alpha subunit 4; minus strand). Cytogenetic location: 17q23.3.
Variant type: single nucleotide variant.
Coding change: c.1354G>A on transcript NM_000334.4 (MANE Select); coding-DNA position 1354, G replaced by A.
Protein change: p.Glu452Lys; replaces glutamic acid 452 with lysine.
Molecular consequence: missense variant.
Genome position (GRCh38, 1-based): chr17:63,964,566, C>T on the plus strand (G>A on the coding strand, the complement: SCN4A is on the minus strand). VCF-style: chr17-63964566-C-T. GRCh37 (hg19) VCF-style: chr17-62041926-C-T.
Other names: short protein forms E452K.
Identifiers: ClinVar variation 568464 (VCV000568464.34), dbSNP rs372631097, ClinGen allele CA8709861.